The following is an entry in ClinVar:

NM_002734.5(PRKAR1A):c.719T>G (p.Leu240Arg)

Gene: PRKAR1A (protein kinase cAMP-dependent type I regulatory subunit alpha; plus strand). Cytogenetic location: 17q24.2.
Variant type: single nucleotide variant.
Coding change: c.719T>G on transcript NM_002734.5 (MANE Select); coding-DNA position 719, T replaced by G.
Protein change: p.Leu240Arg; replaces leucine 240 with arginine.
Molecular consequence: missense variant.
Genome position (GRCh38, 1-based): chr17:68,527,850, T>G. VCF-style: chr17-68527850-T-G. GRCh37 (hg19) VCF-style: chr17-66523991-T-G.
Other names: c.719T>G, p.Leu240Arg (NM_212471.3, NM_212472.2, NM_001276289.2 and 4 more transcripts); short protein forms L240R.
Identifiers: ClinVar variation 3309963 (VCV003309963.1).
Genomic context (GRCh38, chr17:68,527,850, plus strand): 5'-GTGATAATTACACGTCTTGGGGATATCACTTTTGTTATTTTTATTTTTAGGGAAGCACAC[T>G]GAGAAAGCGGAAGATGTATGAGGAATTCCTTAGTAAAGTCTCTATTTTAGGTGAGTTGTA-3'
Protein context (NP_002725.1, residues 230-250): SYRRILMGST[Leu240Arg]RKRKMYEEFL

ClinVar aggregate classification (germline): Uncertain significance (1 of 4 stars; one submission).

Conditions:
Hereditary cancer-predisposing syndrome. Also called: Neoplastic Syndromes, Hereditary; Tumor predisposition; Hereditary neoplastic syndrome; Hereditary Cancer Syndrome. Identifiers: Orphanet 140162, MedGen C0027672, MeSH D009386, MONDO:0015356.

Submission:

Ambry Genetics
Classification: Uncertain significance for Hereditary cancer-predisposing syndrome. Last evaluated: 2024-04-13. Review status: criteria provided, single submitter. Criteria: Ambry Variant Classification Scheme 2023. Collection method: clinical testing. Allele origin: germline.
Comment: The p.L240R variant (also known as c.719T>G), located in coding exon 7 of the PRKAR1A gene, results from a T to G substitution at nucleotide position 719. The leucine at codon 240 is replaced by arginine, an amino acid with dissimilar properties. This amino acid position is conserved. In addition, this alteration is predicted to be deleterious by in silico analysis. Based on the available evidence, the clinical significance of this variant remains unclear.